The following is an entry in ClinVar:

ClinVar aggregate classification (germline): Likely benign. Review status: criteria provided, single submitter (1 of 4 stars). 2 submissions from 2 submitters: Likely benign (1). 1 of the submissions does not count toward it. Last evaluated 2023-05-13.

Conditions:
BBS2-related disorder. Also called: BBS2-related condition; BBS2-related disorders. Identifiers: MedGen CN239228.
Bardet-Biedl syndrome (BBS). Identifiers: Orphanet 110, MedGen C0752166, MONDO:0015229.

Allele frequency attached by ClinVar (database versions not stated): TOPMed below 0.00001; ExAC 0.00001.
gnomAD v4.1: 4 of 1,613,980 alleles (0.00025%); highest among the groups gnomAD compares: South Asian, 0.0022%; no homozygotes.

Submissions (2):

Labcorp Genetics (formerly Invitae), Labcorp
Classification: Likely benign for Bardet-Biedl syndrome. Last evaluated: 2023-05-13. Review status: criteria provided, single submitter. Criteria: Invitae Variant Classification Sherloc (09022015). Collection method: clinical testing. Allele origin: germline.

PreventionGenetics, part of Exact Sciences
Classification: Likely benign for BBS2-related condition. Last evaluated: 2024-05-16. Review status: no assertion criteria provided. Collection method: clinical testing. Allele origin: germline. Not counted in ClinVar's aggregate classification.
Comment: This variant is classified as likely benign based on ACMG/AMP sequence variant interpretation guidelines (Richards et al. 2015 PMID: 25741868, with internal and published modifications).

NM_031885.5(BBS2):c.399C>A (p.Ser133=)

Gene: BBS2 (Bardet-Biedl syndrome 2; minus strand). Cytogenetic location: 16q13.
Variant type: single nucleotide variant.
Coding change: c.399C>A on transcript NM_031885.5 (MANE Select); coding-DNA position 399, C replaced by A.
Protein change: p.Ser133=; no amino-acid change (serine 133 retained).
Molecular consequence: synonymous variant. On other transcripts: non-coding transcript variant (5).
Genome position (GRCh38, 1-based): chr16:56,511,231, G>T on the plus strand (C>A on the coding strand, the complement: BBS2 is on the minus strand). VCF-style: chr16-56511231-G-T. GRCh37 (hg19) VCF-style: chr16-56545143-G-T.
Other names: c.399C>A, p.Ser133= (NM_001377456.1); c.399C>A (NM_031885.3).
Identifiers: ClinVar variation 2094550 (VCV002094550.5), dbSNP rs775477661, ClinGen allele CA8066060.